The following is an entry in ClinVar:

ClinVar aggregate classification (germline): Conflicting classifications of pathogenicity. Review status: criteria provided, conflicting classifications (1 of 4 stars). 2 submissions from 2 submitters: Uncertain significance (1); Likely benign (1). Last evaluated 2026-08-14.

Conditions:
Hereditary cancer-predisposing syndrome. Also called: Neoplastic Syndromes, Hereditary; Hereditary neoplastic syndrome; Hereditary Cancer Syndrome; Tumor predisposition. Identifiers: Orphanet 140162, MedGen C0027672, MeSH D009386, MONDO:0015356.

Submissions (2):

Ambry Genetics
Classification: Likely benign for Hereditary cancer-predisposing syndrome. Last evaluated: 2026-08-14. Review status: criteria provided, single submitter. Criteria: Ambry Variant Classification Scheme 2023. Collection method: clinical testing. Allele origin: germline.

GeneDx
Classification: Uncertain significance. Last evaluated: 2016-06-10. Review status: criteria provided, single submitter. Criteria: GeneDx Variant Classification (06012015). Collection method: clinical testing. Allele origin: germline. Affected: yes.
Comment: This variant is denoted PMS2 c.1450C>T at the cDNA level, p.Pro484Ser (P484S) at the protein level, and results in the change of a Proline to a Serine (CCT>TCT). This variant has not, to our knowledge, been published in the literature as pathogenic or benign. PMS2 Pro484Ser was not observed in approximately 6,500 individuals of European and African American ancestry in the NHLBI Exome Sequencing Project, suggesting it is not a common benign variant in these populations. Since Proline and Serine differ in polarity, charge, size or other properties, this is considered a non-conservative amino acid substitution. PMS2 Pro484Ser occurs at a position that is not conserved and is not located in a known functional domain (Guarne 2001, Fukui 2011). In silico analyses predict that this variant is unlikely to alter protein structure or function. Based on currently available evidence, it is unclear whether PMS2 Pro484Ser is pathogenic or benign. We consider it to be a variant of uncertain significance.

NM_000535.7(PMS2):c.1450C>T (p.Pro484Ser)

Gene: PMS2 (PMS1 homolog 2, mismatch repair system component; minus strand). Cytogenetic location: 7p22.1.
Variant type: single nucleotide variant.
Coding change: c.1450C>T on transcript NM_000535.7 (MANE Select); coding-DNA position 1450, C replaced by T.
Protein change: p.Pro484Ser; replaces proline 484 with serine.
Molecular consequence: missense variant. On other transcripts: non-coding transcript variant (1).
Genome position (GRCh38, 1-based): chr7:5,987,315, G>A on the plus strand (C>T on the coding strand, the complement: PMS2 is on the minus strand). VCF-style: chr7-5987315-G-A. GRCh37 (hg19) VCF-style: chr7-6026946-G-A.
Other names: c.1045C>T, p.Pro349Ser (NM_001322003.2, NM_001322004.2, NM_001322005.2 and 1 more transcripts); c.1294C>T, p.Pro432Ser (NM_001322006.2); c.1132C>T, p.Pro378Ser (NM_001322007.2, NM_001322008.2); c.889C>T, p.Pro297Ser (NM_001322010.2); c.517C>T, p.Pro173Ser (NM_001322011.2, NM_001322012.2); c.877C>T, p.Pro293Ser (NM_001322013.2); c.1450C>T, p.Pro484Ser (NM_001322014.2); c.1141C>T, p.Pro381Ser (NM_001322015.2); short protein forms P484S, P297S, P173S, P432S, P293S, P349S, P378S, P381S.
Identifiers: ClinVar variation 421414 (VCV000421414.5), dbSNP rs752122569, ClinGen allele CA16618511.